The following is an entry in ClinVar:

NM_003816.3(ADAM9):c.1218A>G (p.Pro406=)

Gene: ADAM9 (ADAM metallopeptidase domain 9; plus strand). Cytogenetic location: 8p11.22.
Variant type: single nucleotide variant.
Coding change: c.1218A>G on transcript NM_003816.3 (MANE Select); coding-DNA position 1218, A replaced by G.
Protein change: p.Pro406=; no amino-acid change (proline 406 retained).
Molecular consequence: synonymous variant. On other transcripts: non-coding transcript variant (3).
Genome position (GRCh38, 1-based): chr8:39,042,033, A>G. VCF-style: chr8-39042033-A-G. GRCh37 (hg19) VCF-style: chr8-38899552-A-G.
Identifiers: ClinVar variation 362931 (VCV000362931.14), dbSNP rs35438678, ClinGen allele CA4721554.

ClinVar aggregate classification (germline): Benign. Review status: criteria provided, multiple submitters, no conflicts (2 of 4 stars). 4 submissions from 4 submitters: Benign (4). Last evaluated 2026-02-01.

Conditions:
Cone-rod dystrophy 9 (CORD9). Identifiers: Orphanet 1872, MedGen C1423873, MONDO:0013002, OMIM 612775.

Allele frequency attached by ClinVar (database versions not stated): gnomAD exomes 0.00322 and 0.00870; ExAC 0.01039; 1000 Genomes Project 0.03295; gnomAD 0.03368 and 0.03634; 1000 Genomes Project 30x 0.03467; ESP Exome Variant Server 0.03652; TOPMed 0.03771.
gnomAD v4.1: 10,086 of 1,614,102 alleles (0.62%); highest among the groups gnomAD compares: African/African-American, 12%; 534 homozygotes.

Submissions (4):

Labcorp Genetics (formerly Invitae), Labcorp
Classification: Benign. Last evaluated: 2026-02-01. Review status: criteria provided, single submitter. Criteria: Invitae Variant Classification Sherloc (09022015). Collection method: clinical testing. Allele origin: germline.

GeneDx
Classification: Benign. Last evaluated: 2018-06-07. Review status: criteria provided, single submitter. Criteria: GeneDx Variant Classification (06012015). Collection method: clinical testing. Allele origin: germline. Affected: yes.
Comment: This variant is considered likely benign or benign based on one or more of the following criteria: it is a conservative change, it occurs at a poorly conserved position in the protein, it is predicted to be benign by multiple in silico algorithms, and/or has population frequency not consistent with disease.

Illumina Laboratory Services, Illumina
Classification: Benign for Cone-rod dystrophy 9. Last evaluated: 2018-01-12. Review status: criteria provided, single submitter. Criteria: ICSL Variant Classification Criteria 13 December 2019. Collection method: clinical testing. Allele origin: germline.
Comment: This variant was observed in the ICSL laboratory as part of a predisposition screen in an ostensibly healthy population. It had not been previously curated by ICSL or reported in the Human Gene Mutation Database (HGMD: prior to June 1st, 2018), and was therefore a candidate for classification through an automated scoring system. Utilizing variant allele frequency, disease prevalence and penetrance estimates, and inheritance mode, an automated score was calculated to assess if this variant is too frequent to cause the disease. Based on the score and internal cut-off values, a variant classified as benign is not then subjected to further curation. The score for this variant resulted in a classification of benign for this disease.

Breakthrough Genomics
Classification: Benign. Review status: criteria provided, single submitter. Criteria: ACMG Guidelines, 2015. Collection method: not provided. Allele origin: germline. Inheritance: Autosomal recessive inheritance. Affected: yes.